The following is an entry in ClinVar:

NM_032584.3(ZNF347):c.1042A>G (p.Asn348Asp)

Gene: ZNF347 (zinc finger protein 347; minus strand). Cytogenetic location: 19q13.42.
Variant type: single nucleotide variant.
Coding change: c.1042A>G on transcript NM_032584.3 (MANE Select); coding-DNA position 1042, A replaced by G.
Protein change: p.Asn348Asp; replaces asparagine 348 with aspartic acid.
Molecular consequence: missense variant.
Genome position (GRCh38, 1-based): chr19:53,141,786, T>C on the plus strand (A>G on the coding strand, the complement: ZNF347 is on the minus strand). VCF-style: chr19-53141786-T-C. GRCh37 (hg19) VCF-style: chr19-53645039-T-C.
Other names: c.1045A>G, p.Asn349Asp (NM_001172674.2, NM_001172675.2); short protein forms N348D, N349D.
Identifiers: ClinVar variation 2650406 (VCV002650406.24), dbSNP rs2516212343, ClinGen allele CA407346950.
Genomic context (GRCh38, chr19:53,141,786, plus strand): 5'-TATGAATTCCTCGATGTCTTACAAGGTGTGAATTCTGAGTGAAGACCTTGCCACATTCGT[T>C]ACATTTATAAGGTTTCTCTCCAGTGTGAATTTTCTGATGTTGTGAGAGTTGTGAATTTCG-3'
Protein context (NP_115973.2, residues 338-358): IHTGEKPYKC[Asn348Asp]ECGKVFTQNS

ClinVar aggregate classification (germline): Uncertain significance (1 of 4 stars; one submission).

Submission:

CeGaT Center for Human Genetics Tuebingen
Classification: Uncertain significance. Last evaluated: 2023-04-01. Review status: criteria provided, single submitter. Criteria: CeGaT Center For Human Genetics Tuebingen Variant Classification Criteria Version 2. Collection method: clinical testing. Allele origin: germline. Affected: yes. Observed: 1 variant allele.
Comment: ZNF347: PM2, BP4